The following is an entry in ClinVar:

ClinVar aggregate classification (germline): Uncertain significance (1 of 4 stars; one submission).

Submission:

GeneDx
Classification: Uncertain significance. Last evaluated: 2023-10-04. Review status: criteria provided, single submitter. Criteria: GeneDx Variant Classification Process June 2021. Collection method: clinical testing. Allele origin: germline. Affected: yes.
Comment: Has not been previously published as pathogenic or benign to our knowledge; Not observed at significant frequency in large population cohorts (gnomAD); In silico analysis supports that this missense variant has a deleterious effect on protein structure/function

NM_000937.5(POLR2A):c.641T>A (p.Ile214Asn)

Gene: POLR2A (RNA polymerase II subunit A; plus strand). Cytogenetic location: 17p13.1.
Variant type: single nucleotide variant.
Coding change: c.641T>A on transcript NM_000937.5 (MANE Select); coding-DNA position 641, T replaced by A.
Protein change: p.Ile214Asn; replaces isoleucine 214 with asparagine.
Molecular consequence: missense variant.
Genome position (GRCh38, 1-based): chr17:7,496,867, T>A. VCF-style: chr17-7496867-T-A. GRCh37 (hg19) VCF-style: chr17-7400186-T-A.
Other names: short protein forms I214N.
Identifiers: ClinVar variation 3252177 (VCV003252177.1), dbSNP rs2508107360.